The following is an entry in ClinVar:

NM_000368.5(TSC1):c.2920C>T (p.Leu974Phe)

Gene: TSC1 (TSC complex subunit 1; minus strand). Cytogenetic location: 9q34.13.
Variant type: single nucleotide variant.
Coding change: c.2920C>T on transcript NM_000368.5 (MANE Select); coding-DNA position 2920, C replaced by T.
Protein change: p.Leu974Phe; replaces leucine 974 with phenylalanine.
Molecular consequence: missense variant.
Genome position (GRCh38, 1-based): chr9:132,897,239, G>A on the plus strand (C>T on the coding strand, the complement: TSC1 is on the minus strand). VCF-style: chr9-132897239-G-A. GRCh37 (hg19) VCF-style: chr9-135772626-G-A.
Other names: c.2917C>T, p.Leu973Phe (NM_001162426.2, NM_001406597.1, NM_001406598.1 and 2 more transcripts); c.2767C>T, p.Leu923Phe (NM_001162427.2, NM_001406610.1); c.2557C>T, p.Leu853Phe (NM_001362177.2, NM_001406614.1, NM_001406615.1 and 4 more transcripts); c.2905C>T, p.Leu969Phe (NM_001406601.1, NM_001406602.1); c.2902C>T, p.Leu968Phe (NM_001406603.1, NM_001406604.1); c.2878C>T, p.Leu960Phe (NM_001406605.1, NM_001406606.1, NM_001406607.1); c.2875C>T, p.Leu959Phe (NM_001406608.1, NM_001406609.1); c.2554C>T, p.Leu852Phe (NM_001406620.1, NM_001406621.1, NM_001406622.1 and 1 more transcripts); and 8 more; short protein forms L838F, L853F, L908F, L923F, L656F, L657F, L959F, L969F.
Identifiers: ClinVar variation 1797706 (VCV001797706.8), dbSNP rs2538477215, ClinGen allele CA375368511.
Genomic context (GRCh38, chr9:132,897,239, plus strand): 5'-CCTACCTTTCTTCTGCTGCTTCAGCTGCTTCTGCTTTTTCTTCTTCAAGTTTTTTCAGGA[G>A]GCCATCTTTCTCCAACCTGCCATATAAATCTAAGATCTCCAATTCAAACACCTGGGTTAT-3'
Protein context (NP_000359.1, residues 964-984): DLYGRLEKDG[Leu974Phe]LKKLEEEKAE

ClinVar aggregate classification (germline): Uncertain significance. Review status: criteria provided, multiple submitters, no conflicts (2 of 4 stars). 2 submissions from 2 submitters: Uncertain significance (2). Last evaluated 2022-04-19.

Conditions:
Hereditary cancer-predisposing syndrome. Also called: Neoplastic Syndromes, Hereditary; Tumor predisposition; Hereditary neoplastic syndrome; Hereditary Cancer Syndrome. Identifiers: Orphanet 140162, MedGen C0027672, MeSH D009386, MONDO:0015356.
Tuberous sclerosis 1 (TSC1). Identifiers: Orphanet 805, MedGen C1854465, MONDO:0008612, OMIM 191100.

Submissions (2):

Ambry Genetics
Classification: Uncertain significance for Hereditary cancer-predisposing syndrome. Last evaluated: 2022-04-19. Review status: criteria provided, single submitter. Criteria: Ambry Variant Classification Scheme 2023. Collection method: clinical testing. Allele origin: germline.
Comment: The p.L974F variant (also known as c.2920C>T), located in coding exon 20 of the TSC1 gene, results from a C to T substitution at nucleotide position 2920. The leucine at codon 974 is replaced by phenylalanine, an amino acid with highly similar properties. This amino acid position is conserved. In addition, this alteration is predicted to be tolerated by in silico analysis. Since supporting evidence is limited at this time, the clinical significance of this alteration remains unclear.

Labcorp Genetics (formerly Invitae), Labcorp
Classification: Uncertain significance for Tuberous sclerosis 1. Last evaluated: 2022-01-17. Review status: criteria provided, single submitter. Criteria: Invitae Variant Classification Sherloc (09022015). Collection method: clinical testing. Allele origin: germline.
Comment: This sequence change replaces leucine, which is neutral and non-polar, with phenylalanine, which is neutral and non-polar, at codon 974 of the TSC1 protein (p.Leu974Phe). This variant is not present in population databases (gnomAD no frequency). This variant has not been reported in the literature in individuals affected with TSC1-related conditions. In summary, the available evidence is currently insufficient to determine the role of this variant in disease. Therefore, it has been classified as a Variant of Uncertain Significance. Algorithms developed to predict the effect of missense changes on protein structure and function are either unavailable or do not agree on the potential impact of this missense change (SIFT: "Tolerated"; PolyPhen-2: "Possibly Damaging"; Align-GVGD: "Class C0").